The following is an entry in ClinVar:

ClinVar aggregate classification (germline): Uncertain significance (1 of 4 stars; one submission).

Conditions:
Neurofibromatosis, type 1 (NF1). Also called: VON RECKLINGHAUSEN DISEASE; Neurofibromatosis, type I; NEUROFIBROMATOSIS, TYPE I, SOMATIC; Peripheral type neurofibromatosis. Identifiers: Orphanet 636, MedGen C0027831, MONDO:0018975, OMIM 162200. Disease mechanism: loss of function.

Submission:

Labcorp Genetics (formerly Invitae), Labcorp
Classification: Uncertain significance for Neurofibromatosis, type 1. Last evaluated: 2023-09-26. Review status: criteria provided, single submitter. Criteria: Invitae Variant Classification Sherloc (09022015). Collection method: clinical testing. Allele origin: germline.
Comment: In summary, the available evidence is currently insufficient to determine the role of this variant in disease. Therefore, it has been classified as a Variant of Uncertain Significance. This variant has not been reported in the literature in individuals affected with NF1-related conditions. This variant is not present in population databases (gnomAD no frequency). This variant, c.5006_5007insTTG, results in the insertion of 1 amino acid(s) of the NF1 protein (p.Thr1669_Lys1670insCys), but otherwise preserves the integrity of the reading frame.

NM_001042492.3(NF1):c.5069_5070insTTG (p.Thr1690_Lys1691insCys)

Gene: NF1 (neurofibromin 1; plus strand). Cytogenetic location: 17q11.2.
Variant type: Insertion.
Coding change: c.5069_5070insTTG on transcript NM_001042492.3 (MANE Select); coding-DNA positions 5069 to 5070, TTG inserted.
Protein change: p.Thr1690_Lys1691insCys.
Molecular consequence: inframe insertion. On other transcripts: inframe indel (1).
Genome position: GRCh38 VCF-style: chr17-31326053-C-CTTG. GRCh37 (hg19) VCF-style: chr17-29653071-C-CTTG.
Other names: c.5006_5007insTTG, p.Thr1669_Lys1670insCys (NM_000267.4).
Identifiers: ClinVar variation 2763379 (VCV002763379.3), dbSNP rs2508696722, ClinGen allele CA2697559565.